The following is an entry in ClinVar:

NM_001042492.3(NF1):c.4648G>T (p.Glu1550Ter)

Gene: NF1 (neurofibromin 1; plus strand). Cytogenetic location: 17q11.2.
Variant type: single nucleotide variant.
Coding change: c.4648G>T on transcript NM_001042492.3 (MANE Select); coding-DNA position 4648, G replaced by T.
Protein change: p.Glu1550Ter; replaces glutamic acid 1550 with a stop codon.
Molecular consequence: nonsense.
Genome position (GRCh38, 1-based): chr17:31,261,781, G>T. VCF-style: chr17-31261781-G-T. GRCh37 (hg19) VCF-style: chr17-29588799-G-T.
Other names: c.4585G>T, p.Glu1529Ter (NM_000267.4); short protein forms E1529*, E1550*.
Identifiers: ClinVar variation 3236836 (VCV003236836.3).

ClinVar aggregate classification (germline): Pathogenic/Likely pathogenic. Review status: criteria provided, multiple submitters, no conflicts (2 of 4 stars). 2 submissions from 2 submitters: Pathogenic (1); Likely pathogenic (1). Last evaluated 2024-10-15.

Conditions:
Neurofibromatosis, type 1 (NF1). Also called: VON RECKLINGHAUSEN DISEASE; Neurofibromatosis, type I; NEUROFIBROMATOSIS, TYPE I, SOMATIC; Peripheral type neurofibromatosis. Identifiers: Orphanet 636, MedGen C0027831, MONDO:0018975, OMIM 162200. Disease mechanism: loss of function.
Hereditary breast ovarian cancer syndrome. Also called: BRCA1- and BRCA2-Associated Hereditary Breast and Ovarian Cancer; Hereditary breast and ovarian cancer; Hereditary breast and ovarian cancer syndrome; Hereditary breast and ovarian cancer syndrome (HBOC); Hereditary breast and/or ovarian cancer syndrome; Breast and ovarian cancer. Identifiers: Orphanet 145, MedGen C0677776, MeSH D061325, MONDO:0003582. Disease mechanism: loss of function.

Submissions (2):

Labcorp Genetics (formerly Invitae), Labcorp
Classification: Pathogenic for Neurofibromatosis, type 1. Last evaluated: 2024-10-15. Review status: criteria provided, single submitter. Criteria: Invitae Variant Classification Sherloc (09022015). Collection method: clinical testing. Allele origin: germline.
Comment: This sequence change creates a premature translational stop signal (p.Glu1529*) in the NF1 gene. It is expected to result in an absent or disrupted protein product. Loss-of-function variants in NF1 are known to be pathogenic (PMID: 10712197, 23913538). This variant is not present in population databases (gnomAD no frequency). This variant has not been reported in the literature in individuals affected with NF1-related conditions. Algorithms developed to predict the effect of sequence changes on RNA splicing suggest that this variant may disrupt the consensus splice site. For these reasons, this variant has been classified as Pathogenic.

Cancer Genomics Group, Japanese Foundation For Cancer Research
Classification: Likely pathogenic for Hereditary breast ovarian cancer syndrome. Last evaluated: 2023-03-27. Review status: criteria provided, single submitter. Criteria: ACMG Guidelines, 2015. Collection method: research. Allele origin: germline. Affected: no.

Literature cited by the submitters: PubMed 10712197 (cited by Labcorp Genetics (formerly Invitae), Labcorp); PubMed 23913538 (cited by Labcorp Genetics (formerly Invitae), Labcorp).